The following is an entry in ClinVar:

ClinVar aggregate classification (germline): Benign. Review status: criteria provided, multiple submitters, no conflicts (2 of 4 stars). 6 submissions from 6 submitters: Benign (6). Last evaluated 2026-02-02.

Conditions:
Anterior segment dysgenesis 7 (ASGD7). Also called: Anterior segment dysgenesis 7, with sclerocornea; SCLEROCORNEA WITH OTHER OCULAR ANOMALIES. Identifiers: Orphanet 289499, MedGen C3151617, MONDO:0010015, OMIM 269400.

Allele frequency attached by ClinVar (database versions not stated): ESP Exome Variant Server 0.71349; gnomAD 0.71557 and 0.72317; TOPMed 0.72933; ExAC 0.75600; gnomAD exomes 0.75601; 1000 Genomes Project 30x 0.80824; 1000 Genomes Project 0.81090.
gnomAD v4.1: 1,158,851 of 1,608,282 alleles (72%); highest among the groups gnomAD compares: East Asian, 98%; 420,966 homozygotes.

Submissions (6):

Labcorp Genetics (formerly Invitae), Labcorp
Classification: Benign for Anterior segment dysgenesis 7. Last evaluated: 2026-02-02. Review status: criteria provided, single submitter. Criteria: Invitae Variant Classification Sherloc (09022015). Collection method: clinical testing. Allele origin: germline.

Blueprint Genetics
Classification: Benign. Last evaluated: 2024-11-26. Review status: criteria provided, single submitter. Criteria: ACMG Guidelines, 2015. Collection method: clinical testing. Allele origin: germline.

Genome-Nilou Lab
Classification: Benign for Anterior segment dysgenesis 7. Last evaluated: 2021-07-14. Review status: criteria provided, single submitter. Criteria: ACMG Guidelines, 2015. Collection method: clinical testing. Allele origin: germline. Affected: no.

GeneDx
Classification: Benign. Last evaluated: 2018-03-24. Review status: criteria provided, single submitter. Criteria: GeneDx Variant Classification (06012015). Collection method: clinical testing. Allele origin: germline. Affected: yes.
Comment: This variant is considered likely benign or benign based on one or more of the following criteria: it is a conservative change, it occurs at a poorly conserved position in the protein, it is predicted to be benign by multiple in silico algorithms, and/or has population frequency not consistent with disease.

Breakthrough Genomics
Classification: Benign. Review status: criteria provided, single submitter. Criteria: ACMG Guidelines, 2015. Collection method: not provided. Allele origin: germline. Inheritance: Autosomal recessive inheritance. Affected: yes.

PreventionGenetics, part of Exact Sciences
Classification: Benign. Review status: criteria provided, single submitter. Criteria: ACMG Guidelines, 2015. Collection method: clinical testing. Allele origin: germline.

NM_012293.3(PXDN):c.1836T>C (p.Asn612=)

Gene: PXDN (peroxidasin; minus strand). Cytogenetic location: 2p25.3.
Variant type: single nucleotide variant.
Coding change: c.1836T>C on transcript NM_012293.3 (MANE Select); coding-DNA position 1836, T replaced by C.
Protein change: p.Asn612=; no amino-acid change (asparagine 612 retained).
Molecular consequence: synonymous variant.
Genome position (GRCh38, 1-based): chr2:1,660,882, A>G on the plus strand (T>C on the coding strand, the complement: PXDN is on the minus strand). VCF-style: chr2-1660882-A-G. GRCh37 (hg19) VCF-style: chr2-1664654-A-G.
Identifiers: ClinVar variation 260220 (VCV000260220.16), dbSNP rs17841813, ClinGen allele CA1513198.